The following is an entry in ClinVar:

NM_022904.3(RASAL3):c.1956C>T (p.Ala652=)

Gene: RASAL3 (RAS protein activator like 3; minus strand). Cytogenetic location: 19p13.12.
Variant type: single nucleotide variant.
Coding change: c.1956C>T on transcript NM_022904.3 (MANE Select); coding-DNA position 1956, C replaced by T.
Protein change: p.Ala652=; no amino-acid change (alanine 652 retained).
Molecular consequence: synonymous variant. On other transcripts: non-coding transcript variant (2).
Genome position (GRCh38, 1-based): chr19:15,454,659, G>A on the plus strand (C>T on the coding strand, the complement: RASAL3 is on the minus strand). VCF-style: chr19-15454659-G-A. GRCh37 (hg19) VCF-style: chr19-15565470-G-A.
Other names: c.1965C>T, p.Ala655= (NM_001400377.1); c.1938C>T, p.Ala646= (NM_001400378.1, NM_001400380.1); c.1956C>T, p.Ala652= (NM_001400379.1).
Identifiers: ClinVar variation 2649495 (VCV002649495.24), dbSNP rs200240643, ClinGen allele CA9268449.

ClinVar aggregate classification (germline): Likely benign (1 of 4 stars; one submission).

Allele frequency attached by ClinVar (database versions not stated): TOPMed 0.00012; gnomAD 0.00015; gnomAD exomes 0.00015; ExAC 0.00021; ESP Exome Variant Server 0.00032.
gnomAD v4.1: 247 of 1,609,552 alleles (0.015%); highest among the groups gnomAD compares: Middle Eastern, 0.12%; 2 homozygotes.

Submission:

CeGaT Center for Human Genetics Tuebingen
Classification: Likely benign. Last evaluated: 2022-08-01. Review status: criteria provided, single submitter. Criteria: CeGaT Center For Human Genetics Tuebingen Variant Classification Criteria Version 2. Collection method: clinical testing. Allele origin: germline. Affected: yes. Observed: 1 variant allele.
Comment: RASAL3: BP4, BP7